The following is an entry in ClinVar:

ClinVar aggregate classification (germline): Uncertain significance (1 of 4 stars; one submission).

Allele frequency attached by ClinVar (database versions not stated): gnomAD exomes 0.00003; TOPMed 0.00001; ExAC 0.00003.
gnomAD v4.1: 18 of 1,613,902 alleles (0.0011%); highest among the groups gnomAD compares: Non-Finnish European, 0.00085%; no homozygotes.

Submission:

Labcorp Genetics (formerly Invitae), Labcorp
Classification: Uncertain significance. Last evaluated: 2022-09-27. Review status: criteria provided, single submitter. Criteria: Invitae Variant Classification Sherloc (09022015). Collection method: clinical testing. Allele origin: germline.
Comment: This sequence change replaces leucine, which is neutral and non-polar, with valine, which is neutral and non-polar, at codon 1175 of the MYH3 protein (p.Leu1175Val). In summary, the available evidence is currently insufficient to determine the role of this variant in disease. Therefore, it has been classified as a Variant of Uncertain Significance. Advanced modeling of protein sequence and biophysical properties (such as structural, functional, and spatial information, amino acid conservation, physicochemical variation, residue mobility, and thermodynamic stability) performed at Invitae indicates that this missense variant is not expected to disrupt MYH3 protein function. This variant has not been reported in the literature in individuals affected with MYH3-related conditions. This variant is present in population databases (rs779360957, gnomAD 0.005%).

NM_002470.4(MYH3):c.3523C>G (p.Leu1175Val)

Gene: MYH3 (myosin heavy chain 3; minus strand). Cytogenetic location: 17p13.1.
Variant type: single nucleotide variant.
Coding change: c.3523C>G on transcript NM_002470.4 (MANE Select); coding-DNA position 3523, C replaced by G.
Protein change: p.Leu1175Val; replaces leucine 1175 with valine.
Molecular consequence: missense variant.
Genome position (GRCh38, 1-based): chr17:10,638,249, G>C on the plus strand (C>G on the coding strand, the complement: MYH3 is on the minus strand). VCF-style: chr17-10638249-G-C. GRCh37 (hg19) VCF-style: chr17-10541566-G-C.
Other names: short protein forms L1175V.
Identifiers: ClinVar variation 2080548 (VCV002080548.4), dbSNP rs779360957, ClinGen allele CA8392489.